The following is an entry in ClinVar:

NM_014709.4(USP34):c.5431dup (p.Gln1811fs)

Genes: USP34 (ubiquitin specific peptidase 34; minus strand), LOC126806224 (MED14-independent group 3 enhancer GRCh37_chr2:61504619-61505818; plus strand). Cytogenetic location: 2p15.
Variant type: Duplication.
Coding change: c.5431dup on transcript NM_014709.4 (MANE Select); coding-DNA position 5431, one base duplicated (C; older notation c.5431dupC).
Protein change: p.Gln1811fs; shifts the reading frame from glutamine 1811.
Molecular consequence: frameshift variant.
Genome position (GRCh38, 1-based): chr2:61,278,167, G duplicated on the plus strand (C on the coding strand, the reverse complement: USP34 is on the minus strand). VCF-style (leftmost placement, unchanged base first): chr2-61278166-T-TG. GRCh37 (hg19) VCF-style: chr2-61505301-T-TG.
Other names: short protein forms Q1811fs.
Identifiers: ClinVar variation 4888196 (VCV004888196.1).

ClinVar aggregate classification (germline): Uncertain significance (1 of 4 stars; one submission).

Submission:

GeneDx
Classification: Uncertain significance. Last evaluated: 2024-11-19. Review status: criteria provided, single submitter. Criteria: GeneDx Variant Classification Process June 2021. Collection method: clinical testing. Allele origin: germline.
Comment: Not observed at significant frequency in large population cohorts (gnomAD); Frameshift variant predicted to result in protein truncation or nonsense mediated decay in a gene or region of a gene for which loss of function is not a well-established mechanism of disease; Has not been previously published as pathogenic or benign to our knowledge; Variants in candidate genes are classified as variants of uncertain significance in accordance with ACMG guidelines (PMID: 25741868)